The following is an entry in ClinVar:

ClinVar aggregate classification (germline): Likely benign. Review status: criteria provided, multiple submitters, no conflicts (2 of 4 stars). 2 submissions from 2 submitters: Likely benign (2). Last evaluated 2022-09-01.

Allele frequency attached by ClinVar (database versions not stated): ExAC 0.00008; ESP Exome Variant Server 0.00008; gnomAD exomes 0.00012 and 0.00037; TOPMed 0.00014; 1000 Genomes Project 30x 0.00016; 1000 Genomes Project 0.00020; gnomAD 0.00020 and 0.00021.
gnomAD v4.1: 554 of 1,614,172 alleles (0.034%); highest among the groups gnomAD compares: Non-Finnish European, 0.045%; no homozygotes.

Submissions (2):

CeGaT Center for Human Genetics Tuebingen
Classification: Likely benign. Last evaluated: 2022-09-01. Review status: criteria provided, single submitter. Criteria: CeGaT Center For Human Genetics Tuebingen Variant Classification Criteria Version 2. Collection method: clinical testing. Allele origin: germline. Affected: yes. Observed: 1 variant allele.
Comment: SHANK2: BP4, BP7

Labcorp Genetics (formerly Invitae), Labcorp
Classification: Likely benign. Last evaluated: 2018-02-12. Review status: criteria provided, single submitter. Criteria: Invitae Variant Classification Sherloc (09022015). Collection method: clinical testing. Allele origin: germline.

NM_012309.5(SHANK2):c.3060G>A (p.Glu1020=)

Gene: SHANK2 (SH3 and multiple ankyrin repeat domains 2; minus strand). Cytogenetic location: 11q13.3.
Variant type: single nucleotide variant.
Coding change: c.3060G>A on transcript NM_012309.5 (MANE Select); coding-DNA position 3060, G replaced by A.
Protein change: p.Glu1020=; no amino-acid change (glutamic acid 1020 retained).
Molecular consequence: synonymous variant.
Genome position (GRCh38, 1-based): chr11:70,487,233, C>T on the plus strand (G>A on the coding strand, the complement: SHANK2 is on the minus strand). VCF-style: chr11-70487233-C-T. GRCh37 (hg19) VCF-style: chr11-70333338-C-T.
Other names: c.1923G>A, p.Glu641= (NM_001379226.1); c.1296G>A, p.Glu432= (NM_133266.5).
Identifiers: ClinVar variation 723810 (VCV000723810.27), dbSNP rs183950141, ClinGen allele CA6161186.